The following is an entry in ClinVar:

NM_001197104.2(KMT2A):c.1332G>C (p.Glu444Asp)

Gene: KMT2A (lysine methyltransferase 2A; plus strand). Cytogenetic location: 11q23.3.
Variant type: single nucleotide variant.
Coding change: c.1332G>C on transcript NM_001197104.2 (MANE Select); coding-DNA position 1332, G replaced by C.
Protein change: p.Glu444Asp; replaces glutamic acid 444 with aspartic acid.
Molecular consequence: missense variant.
Genome position (GRCh38, 1-based): chr11:118,472,491, G>C. VCF-style: chr11-118472491-G-C. GRCh37 (hg19) VCF-style: chr11-118343206-G-C.
Other names: c.1332G>C, p.Glu444Asp (NM_005933.4); short protein forms E444D.
Identifiers: ClinVar variation 1522728 (VCV001522728.6), dbSNP rs1319025800, ClinGen allele CA382809882.

ClinVar aggregate classification (germline): Uncertain significance (1 of 4 stars; one submission).

Allele frequency attached by ClinVar (database versions not stated): gnomAD exomes 0.00002.
gnomAD v4.1: 25 of 1,612,936 alleles (0.0015%); highest among the groups gnomAD compares: Non-Finnish European, 0.0021%; no homozygotes.

Submission:

Labcorp Genetics (formerly Invitae), Labcorp
Classification: Uncertain significance. Last evaluated: 2025-04-11. Review status: criteria provided, single submitter. Criteria: Invitae Variant Classification Sherloc (09022015). Collection method: clinical testing. Allele origin: germline.
Comment: This sequence change replaces glutamic acid, which is acidic and polar, with aspartic acid, which is acidic and polar, at codon 444 of the KMT2A protein (p.Glu444Asp). This variant is not present in population databases (gnomAD no frequency). This variant has not been reported in the literature in individuals affected with KMT2A-related conditions. ClinVar contains an entry for this variant (Variation ID: 1522728). Invitae Evidence Modeling of protein sequence and biophysical properties (such as structural, functional, and spatial information, amino acid conservation, physicochemical variation, residue mobility, and thermodynamic stability) indicates that this missense variant is not expected to disrupt KMT2A protein function with a negative predictive value of 95%. In summary, the available evidence is currently insufficient to determine the role of this variant in disease. Therefore, it has been classified as a Variant of Uncertain Significance.